The following is an entry in ClinVar:

ClinVar aggregate classification (germline): Benign/Likely benign. Review status: criteria provided, multiple submitters, no conflicts (2 of 4 stars). 3 submissions from 3 submitters: Benign (1); Likely benign (2). Last evaluated 2025-11-10.

Conditions:
Oligodontia-cancer predisposition syndrome. Also called: TOOTH AGENESIS-COLORECTAL CANCER SYNDROME. Identifiers: Orphanet 300576, MedGen C1837750, MONDO:0012075, OMIM 608615. Disease mechanism: loss of function.
Hereditary cancer-predisposing syndrome. Also called: Tumor predisposition; Neoplastic Syndromes, Hereditary; Hereditary neoplastic syndrome; Hereditary Cancer Syndrome. Identifiers: Orphanet 140162, MedGen C0027672, MeSH D009386, MONDO:0015356.

gnomAD v4.1: 4 of 1,614,212 alleles (0.00025%); highest among the groups gnomAD compares: Non-Finnish European, 0.00034%; no homozygotes.

Submissions (3):

Labcorp Genetics (formerly Invitae), Labcorp
Classification: Likely benign for Oligodontia-cancer predisposition syndrome. Last evaluated: 2025-11-10. Review status: criteria provided, single submitter. Criteria: Invitae Variant Classification Sherloc (09022015). Collection method: clinical testing. Allele origin: germline.

Myriad Genetics, Inc.
Classification: Benign for Oligodontia-cancer predisposition syndrome. Last evaluated: 2024-07-01. Review status: criteria provided, single submitter. Criteria: Myriad Autosomal Dominant, Autosomal Recessive and X-Linked Classification Criteria (2023). Collection method: clinical testing. Allele origin: unknown.
Comment: This variant is considered benign. This variant is a silent/synonymous amino acid change and it is not expected to impact splicing.

Ambry Genetics
Classification: Likely benign for Hereditary cancer-predisposing syndrome. Last evaluated: 2023-01-18. Review status: criteria provided, single submitter. Criteria: Ambry Variant Classification Scheme 2023. Collection method: clinical testing. Allele origin: germline.

NM_004655.4(AXIN2):c.1195C>A (p.Arg399=)

Gene: AXIN2 (axin 2; minus strand). Cytogenetic location: 17q24.1.
Variant type: single nucleotide variant.
Coding change: c.1195C>A on transcript NM_004655.4 (MANE Select); coding-DNA position 1195, C replaced by A.
Protein change: p.Arg399=; no amino-acid change (arginine 399 retained).
Molecular consequence: synonymous variant.
Genome position (GRCh38, 1-based): chr17:65,538,208, G>T on the plus strand (C>A on the coding strand, the complement: AXIN2 is on the minus strand). VCF-style: chr17-65538208-G-T. GRCh37 (hg19) VCF-style: chr17-63534326-G-T.
Other names: c.1195C>A, p.Arg399= (NM_001363813.1); c.1195C>A (NM_004655.3).
Identifiers: ClinVar variation 1149800 (VCV001149800.11), dbSNP rs1157452251, ClinGen allele CA501476234.
Genomic context (GRCh38, chr17:65,538,208, plus strand): 5'-CATACGAGCGCTCACGCCGTGGACGGAAGCAGGAAGAAGGCCTAGGCCGCATTACCTCTC[G>T]GATCTGCTGCAGGCGCTCCTCCAGGCTGTGGCGGCTCTCCAACTCCAGCTTCAGCTTTTC-3'
Protein context (NP_004646.3, residues 389-409): HSLEERLQQI[Arg399=]EDEEREGSEL